The following is an entry in ClinVar:

ClinVar aggregate classification (germline): Uncertain significance (1 of 4 stars; one submission).

Conditions:
Ehlers-Danlos syndrome, classic type, 1 (EDSCL1). Also called: Ehlers-Danlos syndrome, type 1; Ehlers-Danlos Syndrome, Classic Type, COL5A1-Related; EDS I; EHLERS-DANLOS SYNDROME, GRAVIS TYPE; EHLERS-DANLOS SYNDROME, SEVERE CLASSIC TYPE. Identifiers: MedGen C0268335, MONDO:0019567, OMIM 130000.
Osteogenesis imperfecta type I (OI1). Also called: Osteogenesis imperfecta type 1; Lobstein's Disease; Lobstein disease; OI, TYPE I; OSTEOGENESIS IMPERFECTA TARDA; OSTEOGENESIS IMPERFECTA WITH BLUE SCLERAE. Identifiers: Orphanet 216796, Orphanet 666, MedGen C0023931, MONDO:0008146, OMIM 166200. Disease mechanism: loss of function.

Allele frequency attached by ClinVar (database versions not stated): gnomAD exomes 0.00001.
gnomAD v4.1: 9 of 1,613,996 alleles (0.00056%); highest among the groups gnomAD compares: Non-Finnish European, 0.00076%; no homozygotes.

Submission:

Labcorp Genetics (formerly Invitae), Labcorp
Classification: Uncertain significance for Osteogenesis imperfecta type I; Ehlers-Danlos syndrome, classic type, 1. Last evaluated: 2025-10-12. Review status: criteria provided, single submitter. Criteria: Invitae Variant Classification Sherloc (09022015). Collection method: clinical testing. Allele origin: germline.
Comment: This sequence change affects codon 360 of the COL1A2 mRNA. It is a 'silent' change, meaning that it does not change the encoded amino acid sequence of the COL1A2 protein. This variant is not present in population databases (gnomAD no frequency). This variant has not been reported in the literature in individuals affected with COL1A2-related conditions. ClinVar contains an entry for this variant (Variation ID: 1944585). Algorithms developed to predict the effect of sequence changes on RNA splicing suggest that this variant may disrupt the consensus splice site. In summary, the available evidence is currently insufficient to determine the role of this variant in disease. Therefore, it has been classified as a Variant of Uncertain Significance.

NM_000089.4(COL1A2):c.1080G>A (p.Lys360=)

Gene: COL1A2 (collagen type I alpha 2 chain; plus strand). Cytogenetic location: 7q21.3.
Variant type: single nucleotide variant.
Coding change: c.1080G>A on transcript NM_000089.4 (MANE Select); coding-DNA position 1080, G replaced by A.
Protein change: p.Lys360=; no amino-acid change (lysine 360 retained).
Molecular consequence: synonymous variant.
Genome position (GRCh38, 1-based): chr7:94,410,286, G>A. VCF-style: chr7-94410286-G-A. GRCh37 (hg19) VCF-style: chr7-94039598-G-A.
Identifiers: ClinVar variation 1944585 (VCV001944585.5), dbSNP rs1791894333, ClinGen allele CA456488484.